The following is an entry in ClinVar:

ClinVar aggregate classification (germline): Pathogenic/Likely pathogenic. Review status: criteria provided, multiple submitters, no conflicts (2 of 4 stars). 8 submissions from 8 submitters: Pathogenic (3); Likely pathogenic (4). 1 of the submissions does not count toward it. Last evaluated 2025-01-10.

Conditions:
Inborn genetic diseases. Identifiers: MedGen C0950123, MeSH D030342.
Spastic paraplegia. Identifiers: MedGen C0037772, HP:0001258.
Charlevoix-Saguenay spastic ataxia (SACS). Also called: Spastic ataxia of Charlevoix-Saguenay; SPASTIC ATAXIA 6, AUTOSOMAL RECESSIVE; AUTOSOMAL RECESSIVE SPASTIC ATAXIA OF CHARLEVOIX-SAGUENAY. Identifiers: Orphanet 98, MedGen C1849140, MONDO:0010041, OMIM 270550.

Submissions (8):

Natera, Inc.
Classification: Likely pathogenic for Charlevoix-Saguenay type spastic ataxia. Last evaluated: 2025-01-10. Review status: criteria provided, single submitter. Criteria: Natera Variant Classification Schema (03/2026). Collection method: clinical testing. Allele origin: germline.
Comment: The c.12923_12927delAAGAA variant in SACS is a frameshift variant predicted to shift the reading frame beginning at codon 4308 and leads to a stop codon 21 codons downstream. This variant is expected to result in nonsense mediated decay, truncation, or a dysfunctional protein product. This variant is rare in the general population with a frequency below the threshold expected for the associated phenotype(s). This variant has been observed in one or more individuals affected with the associated recessive disease, as either homozygous or compound heterozygous with a second variant (PMID: 33624863). Additionally, this variant has been observed to segregate in affected family members (PMID: 35130357). Given the available evidence, this variant is classified as Likely Pathogenic.

Baylor Genetics
Classification: Likely pathogenic for Charlevoix-Saguenay spastic ataxia. Last evaluated: 2024-02-29. Review status: criteria provided, single submitter. Criteria: ACMG Guidelines, 2015. Collection method: clinical testing. Allele origin: unknown.

Labcorp Genetics (formerly Invitae), Labcorp
Classification: Pathogenic for Spastic paraplegia. Last evaluated: 2023-12-30. Review status: criteria provided, single submitter. Criteria: Invitae Variant Classification Sherloc (09022015). Collection method: clinical testing. Allele origin: germline.
Comment: This sequence change creates a premature translational stop signal (p.Lys4308Serfs*21) in the SACS gene. While this is not anticipated to result in nonsense mediated decay, it is expected to disrupt the last 272 amino acid(s) of the SACS protein. This variant is present in population databases (no rsID available, gnomAD 0.03%). This premature translational stop signal has been observed in individual(s) with SACS-related conditions (PMID: 31493945, 33624863). ClinVar contains an entry for this variant (Variation ID: 371466). This variant disrupts a region of the SACS protein in which other variant(s) (p.Asn4549Asp) have been determined to be pathogenic (PMID: 15156359, 21507954). This suggests that this is a clinically significant region of the protein, and that variants that disrupt it are likely to be disease-causing. For these reasons, this variant has been classified as Pathogenic.

Laboratorio de Genetica e Diagnostico Molecular, Hospital Israelita Albert Einstein
Classification: Likely pathogenic for Charlevoix-Saguenay spastic ataxia. Last evaluated: 2023-10-11. Review status: criteria provided, single submitter. Criteria: ACMG Guidelines, 2015. Collection method: clinical testing. Allele origin: germline. Affected: yes.
Comment: ACMG classification criteria: PVS1 strong, PM2 moderate, PM3 supporting

PROSPAX: an integrated multimodal progression  chart in spastic ataxias, Center for Neurology; Hertie-Institute for Clinical Brain Research
Classification: Pathogenic for Charlevoix-Saguenay spastic ataxia. Last evaluated: 2022-01-01. Review status: criteria provided, single submitter. Criteria: ACMG Guidelines, 2015. Collection method: research. Allele origin: germline. Affected: yes. Observed: 7 variant alleles, 2 compound heterozygotes, 5 homozygotes.

Ambry Genetics
Classification: Likely pathogenic for Inborn genetic diseases. Last evaluated: 2020-12-03. Review status: criteria provided, single submitter. Criteria: Ambry Variant Classification Scheme 2023. Collection method: clinical testing. Allele origin: germline.
Comment: The c.12923_12927delAAGAA (p.K4308Sfs*21) alteration, located in exon 10 (coding exon 9) of the SACS gene, consists of a deletion of 5 nucleotides from position 12923 to 12927, causing a translational frameshift with a predicted alternate stop codon after 21 amino acids. This alteration occurs at the 3' terminus of the SACS gene, is not expected to trigger nonsense-mediated mRNA decay, and only impacts the last 6% of the protein. Although the exact functional effect of this alteration is unknown, premature stop codons are typically deleterious in nature and truncating alterations downstream have been reported (Synofzik, 2013, Sun, 2019). Based on data from the Genome Aggregation Database (gnomAD) database, the SACS c.12923_12927delAAGAA alteration was observed in 0.003% (1/31,400) of total alleles studied. Based on the available evidence, this alteration is classified as likely pathogenic.

Paris Brain Institute, Inserm - ICM
Classification: Pathogenic for Charlevoix-Saguenay spastic ataxia. Review status: criteria provided, single submitter. Criteria: ACMG Guidelines, 2015. Collection method: clinical testing. Allele origin: unknown. Affected: yes. Observed: 1 variant allele.

Counsyl
Classification: Likely pathogenic for Charlevoix-Saguenay spastic ataxia. Last evaluated: 2016-09-30. Review status: no assertion criteria provided. Collection method: clinical testing. Allele origin: unknown. Not counted in ClinVar's aggregate classification.

Literature cited by the submitters: PubMed 33624863 (cited by Natera, Inc. and Labcorp Genetics (formerly Invitae), Labcorp); PubMed 35130357 (cited by Natera, Inc.); PubMed 31493945 (cited by Labcorp Genetics (formerly Invitae), Labcorp and Ambry Genetics); PubMed 15156359 (cited by Labcorp Genetics (formerly Invitae), Labcorp); PubMed 21507954 (cited by Labcorp Genetics (formerly Invitae), Labcorp); PubMed 23497566 (cited by Ambry Genetics); PubMed 29915382 (cited by Ambry Genetics).

NM_014363.6(SACS):c.12923_12927del (p.Lys4308fs)

Gene: SACS (sacsin molecular chaperone; minus strand). Cytogenetic location: 13q12.12.
Variant type: Deletion.
Coding change: c.12923_12927del on transcript NM_014363.6 (MANE Select); coding-DNA positions 12923 to 12927, 5 bases deleted (AAGAA; older notation c.12923_12927delAAGAA).
Protein change: p.Lys4308fs; shifts the reading frame from lysine 4308.
Molecular consequence: frameshift variant.
Genome position (GRCh38, 1-based): chr13:23,330,949-23,330,953, TTCTT deleted on the plus strand (AAGAA on the coding strand, the reverse complement: SACS is on the minus strand); deleting any 5 consecutive bases within chr13:23,330,949-23,330,955 gives the same sequence; the c. name uses the placement nearest the transcript's 3' end. VCF-style (leftmost placement, unchanged base first): chr13-23330948-CTTCTT-C. GRCh37 (hg19) VCF-style: chr13-23905087-CTTCTT-C.
Other names: c.12482_12486del, p.Lys4161fs (NM_001278055.2); c.12923_12927delAAGAA (NM_014363.5, NM_014363.4); short protein forms K4161fs, K4308fs.
Identifiers: ClinVar variation 371466 (VCV000371466.14), dbSNP rs1057517294, ClinGen allele CA16041598.
Genomic context (GRCh38, chr13:23,330,948, plus strand): 5'-TAATAATCTTTTTTCGTTCCGATTCTGGAAGCTTCCATGCTTGCTCCACCACAGATGTCA[CTTCTT>C]TTAAGATTTCTGGTAAAGAATTAACCTTAAGCTTTTTGGGGGACTGATGTTTGGAAGAAG-3'